The following is an entry in ClinVar:

NM_000199.5(SGSH):c.1000dup (p.Ala334fs)

Gene: SGSH (N-sulfoglucosamine sulfohydrolase; minus strand). Cytogenetic location: 17q25.3.
Variant type: Duplication.
Coding change: c.1000dup on transcript NM_000199.5 (MANE Select); coding-DNA position 1000, one base duplicated (G; older notation c.1000dupG).
Protein change: p.Ala334fs; shifts the reading frame from alanine 334.
Molecular consequence: frameshift variant. On other transcripts: 3 prime UTR variant (2), non-coding transcript variant (1).
Genome position (GRCh38, 1-based): chr17:80,210,961, C duplicated on the plus strand (G on the coding strand, the reverse complement: SGSH is on the minus strand). VCF-style (leftmost placement, unchanged base first): chr17-80210960-G-GC. GRCh37 (hg19) VCF-style: chr17-78184759-G-GC.
Other names: c.1000dupG (NM_000199.3); c.*87dup (NM_001352921.3); c.*50dup (NM_001352922.2); short protein forms A334fs.
Identifiers: ClinVar variation 2503902 (VCV002503902.2), dbSNP rs2473161338, ClinGen allele CA2580612672.

ClinVar aggregate classification (germline): Likely pathogenic. Review status: criteria provided, multiple submitters, no conflicts (2 of 4 stars). 2 submissions from 2 submitters: Likely pathogenic (2). Last evaluated 2023-10-16.

Conditions:
Mucopolysaccharidosis, MPS-III-A (MPS3A). Also called: HEPARAN SULFATE SULFATASE DEFICIENCY; SANFILIPPO SYNDROME A; SULFAMIDASE DEFICIENCY; MUCOPOLYSACCHARIDOSIS, TYPE IIIA, ATTENUATED; Mucopolysaccharidosis, type IIIA; mucopolysaccharidosis type 3A. Identifiers: Orphanet 581, Orphanet 79269, MedGen C0086647, MONDO:0009655, OMIM 252900.

Submissions (2):

Baylor Genetics
Classification: Likely pathogenic for Mucopolysaccharidosis, MPS-III-A. Last evaluated: 2023-10-16. Review status: criteria provided, single submitter. Criteria: ACMG Guidelines, 2015. Collection method: clinical testing. Allele origin: unknown.

Women's Health and Genetics/Laboratory Corporation of America, LabCorp
Classification: Likely pathogenic for Mucopolysaccharidosis, MPS-III-A. Last evaluated: 2023-04-17. Review status: criteria provided, single submitter. Criteria: LabCorp Variant Classification Summary - May 2015. Collection method: clinical testing. Allele origin: germline.
Comment: Variant summary: SGSH c.1000dupG (p.Ala334GlyfsX168) results in a premature termination codon, predicted to cause a truncation of the encoded protein or absence of the protein due to nonsense mediated decay, which are commonly known mechanisms for disease. Truncations downstream of this position have been classified as pathogenic by our laboratory. The variant was absent in 240830 control chromosomes. To our knowledge, no occurrence of c.1000dupG in individuals affected with Mucopolysaccharidosis Type IIIA (Sanfilippo Syndrome A) and no experimental evidence demonstrating its impact on protein function have been reported. No clinical diagnostic laboratories have submitted clinical-significance assessments for this variant to ClinVar after 2014. Based on the evidence outlined above, the variant was classified as likely pathogenic.